The following is an entry in ClinVar:

ClinVar aggregate classification (germline): Likely benign (0 of 4 stars; one submission).

Conditions:
BSN-related disorder. Also called: BSN-related condition.

Allele frequency attached by ClinVar (database versions not stated): TOPMed 0.00008; gnomAD 0.00011.
gnomAD v4.1: 72 of 1,614,128 alleles (0.0045%); highest among the groups gnomAD compares: African/African-American, 0.027%; 1 homozygote.

Submission:

PreventionGenetics, part of Exact Sciences
Classification: Likely benign for BSN-related condition. Last evaluated: 2019-09-10. Review status: no assertion criteria provided. Collection method: clinical testing. Allele origin: germline.
Comment: This variant is classified as likely benign based on ACMG/AMP sequence variant interpretation guidelines (Richards et al. 2015 PMID: 25741868, with internal and published modifications).

NM_003458.4(BSN):c.4368G>A (p.Ala1456=)

Gene: BSN (bassoon presynaptic cytomatrix protein; plus strand). Cytogenetic location: 3p21.31.
Variant type: single nucleotide variant.
Coding change: c.4368G>A on transcript NM_003458.4 (MANE Select); coding-DNA position 4368, G replaced by A.
Protein change: p.Ala1456=; no amino-acid change (alanine 1456 retained).
Molecular consequence: synonymous variant.
Genome position (GRCh38, 1-based): chr3:49,653,924, G>A. VCF-style: chr3-49653924-G-A. GRCh37 (hg19) VCF-style: chr3-49691357-G-A.
Identifiers: ClinVar variation 3041135 (VCV003041135.2), dbSNP rs752755708, ClinGen allele CA2400122.